The following is an entry in ClinVar:

ClinVar aggregate classification (germline): Conflicting classifications of pathogenicity. Review status: criteria provided, conflicting classifications (1 of 4 stars). 4 submissions from 4 submitters: Uncertain significance (3); Likely benign (1). Last evaluated 2025-10-01.

Conditions:
KBG syndrome (KBGS). Also called: ANKRD11-Related KBG Syndrome. Identifiers: Orphanet 2332, MedGen C0220687, MONDO:0007846, OMIM 148050.
ANKRD11-related disorder. Also called: ANKRD11-related condition.
Inborn genetic diseases. Identifiers: MedGen C0950123, MeSH D030342.

Allele frequency attached by ClinVar (database versions not stated): TOPMed 0.00001.

Submissions (4):

CeGaT Center for Human Genetics Tuebingen
Classification: Uncertain significance. Last evaluated: 2025-10-01. Review status: criteria provided, single submitter. Criteria: CeGaT Center For Human Genetics Tuebingen Variant Classification Criteria Version 2. Collection method: clinical testing. Allele origin: germline. Affected: yes. Observed: 1 variant allele.
Comment: ANKRD11: PM2, BP4

PreventionGenetics, part of Exact Sciences
Classification: Uncertain significance for ANKRD11-related condition. Last evaluated: 2024-12-04. Review status: criteria provided, single submitter. Criteria: ACMG Guidelines, 2015. Collection method: clinical testing. Allele origin: germline.
Comment: The ANKRD11 c.6733C>A variant is predicted to result in the amino acid substitution p.Pro2245Thr. To our knowledge, this variant has not been reported in the literature. This variant is reported in 0.0079% of alleles in individuals of European (Non-Finnish) descent in gnomAD. At this time, the clinical significance of this variant is uncertain due to the absence of conclusive functional and genetic evidence.

Labcorp Genetics (formerly Invitae), Labcorp
Classification: Uncertain significance for KBG syndrome. Last evaluated: 2024-05-17. Review status: criteria provided, single submitter. Criteria: Invitae Variant Classification Sherloc (09022015). Collection method: clinical testing. Allele origin: germline.
Comment: This sequence change replaces proline, which is neutral and non-polar, with threonine, which is neutral and polar, at codon 2245 of the ANKRD11 protein (p.Pro2245Thr). This variant is present in population databases (rs756897044, gnomAD 0.006%). This variant has not been reported in the literature in individuals affected with ANKRD11-related conditions. Advanced modeling of protein sequence and biophysical properties (such as structural, functional, and spatial information, amino acid conservation, physicochemical variation, residue mobility, and thermodynamic stability) performed at Invitae indicates that this missense variant is not expected to disrupt ANKRD11 protein function with a negative predictive value of 95%. In summary, the available evidence is currently insufficient to determine the role of this variant in disease. Therefore, it has been classified as a Variant of Uncertain Significance.

Ambry Genetics
Classification: Likely benign for Inborn genetic diseases. Last evaluated: 2024-04-26. Review status: criteria provided, single submitter. Criteria: Ambry Variant Classification Scheme 2023. Collection method: clinical testing. Allele origin: germline.

NM_013275.6(ANKRD11):c.6733C>A (p.Pro2245Thr)

Gene: ANKRD11 (ankyrin repeat domain 11; minus strand). Cytogenetic location: 16q24.3.
Variant type: single nucleotide variant.
Coding change: c.6733C>A on transcript NM_013275.6 (MANE Select); coding-DNA position 6733, C replaced by A.
Protein change: p.Pro2245Thr; replaces proline 2245 with threonine.
Molecular consequence: missense variant.
Genome position (GRCh38, 1-based): chr16:89,279,809, G>T on the plus strand (C>A on the coding strand, the complement: ANKRD11 is on the minus strand). VCF-style: chr16-89279809-G-T. GRCh37 (hg19) VCF-style: chr16-89346217-G-T.
Other names: c.6733C>A (NM_013275.5, NM_013275.4); c.6733C>A, p.Pro2245Thr (NM_001256182.2, NM_001256183.2); short protein forms P2245T.
Identifiers: ClinVar variation 2903857 (VCV002903857.11), dbSNP rs756897044, ClinGen allele CA8241350.